The following is an entry in ClinVar:

ClinVar aggregate classification (germline): Likely pathogenic. Review status: criteria provided, multiple submitters, no conflicts (2 of 4 stars). 3 submissions from 3 submitters: Likely pathogenic (2). 1 of the submissions does not count toward it. Last evaluated 2022-03-29.

Conditions:
Self-limited epilepsy with centrotemporal spikes. Also called: Rolandic epilepsy; Childhood epilepsy with centrotemporal spikes. Identifiers: Orphanet 1945, MedGen C0376532, MONDO:0007295.
Landau-Kleffner syndrome (FESD). Also called: EPILEPSY, FOCAL, WITH SPEECH DISORDER AND WITH OR WITHOUT MENTAL RETARDATION; APHASIA, ACQUIRED, WITH EPILEPSY. Identifiers: Orphanet 1945, Orphanet 725, Orphanet 98818, MedGen C0282512, MONDO:0009509, OMIM 245570.

Allele frequency attached by ClinVar (database versions not stated): gnomAD exomes below 0.00001.
gnomAD v4.1: 1 of 1,614,206 alleles (0.000062%); highest among the groups gnomAD compares: Non-Finnish European, 0.000085%; no homozygotes.

Submissions (3):

Labcorp Genetics (formerly Invitae), Labcorp
Classification: Likely pathogenic for Landau-Kleffner syndrome. Last evaluated: 2022-03-29. Review status: criteria provided, single submitter. Criteria: Invitae Variant Classification Sherloc (09022015). Collection method: clinical testing. Allele origin: germline.
Comment: This sequence change replaces proline, which is neutral and non-polar, with arginine, which is basic and polar, at codon 79 of the GRIN2A protein (p.Pro79Arg). In summary, the currently available evidence indicates that the variant is pathogenic, but additional data are needed to prove that conclusively. Therefore, this variant has been classified as Likely Pathogenic. Experimental studies have shown that this missense change affects GRIN2A function (PMID: 27288002, 28242877). Advanced modeling of protein sequence and biophysical properties (such as structural, functional, and spatial information, amino acid conservation, physicochemical variation, residue mobility, and thermodynamic stability) performed at Invitae indicates that this missense variant is expected to disrupt GRIN2A protein function. ClinVar contains an entry for this variant (Variation ID: 433130). This missense change has been observed in individual(s) with clinical features of GRIN2A-related conditions (PMID: 23933819, 29358611). It has also been observed to segregate with disease in related individuals. This variant is present in population databases (no rsID available, gnomAD 0.0009%).

Institute of Human Genetics, University of Leipzig Medical Center
Classification: Likely pathogenic for Landau-Kleffner syndrome. Last evaluated: 2019-01-01. Review status: criteria provided, single submitter. Criteria: ACMG Guidelines, 2015. Collection method: research. Allele origin: unknown. Affected: yes.

Bioinformatics Core, Luxembourg Center for Systems Biomedicine
Classification: Pathogenic for Self-limited epilepsy with centrotemporal spikes. Last evaluated: 2017-01-01. Review status: no assertion criteria provided. Collection method: case-control. Allele origin: germline. Affected: yes. Study: EUROEPINOMICS COGIE. Not counted in ClinVar's aggregate classification.

Literature cited by the submitters: PubMed 27288002 (cited by Labcorp Genetics (formerly Invitae), Labcorp); PubMed 28242877 (cited by Labcorp Genetics (formerly Invitae), Labcorp); PubMed 23933819 (cited by Labcorp Genetics (formerly Invitae), Labcorp); PubMed 29358611 (cited by Labcorp Genetics (formerly Invitae), Labcorp and Bioinformatics Core, Luxembourg Center for Systems Biomedicine); PubMed 30544257 (cited by Institute of Human Genetics, University of Leipzig Medical Center).

NM_001134407.3(GRIN2A):c.236C>G (p.Pro79Arg)

Gene: GRIN2A (glutamate ionotropic receptor NMDA type subunit 2A; minus strand). Cytogenetic location: 16p13.2.
Variant type: single nucleotide variant.
Coding change: c.236C>G on transcript NM_001134407.3 (MANE Select); coding-DNA position 236, C replaced by G.
Protein change: p.Pro79Arg; replaces proline 79 with arginine.
Molecular consequence: missense variant.
Genome position (GRCh38, 1-based): chr16:10,180,176, G>C on the plus strand (C>G on the coding strand, the complement: GRIN2A is on the minus strand). VCF-style: chr16-10180176-G-C. GRCh37 (hg19) VCF-style: chr16-10274033-G-C.
Other names: c.236C>G, p.Pro79Arg (NM_000833.5, NM_001134408.2); short protein forms P79R.
Identifiers: ClinVar variation 433130 (VCV000433130.9), dbSNP rs1250662891, ClinGen allele CA394715452.